The following is an entry in ClinVar:

ClinVar aggregate classification (germline): Pathogenic. Review status: criteria provided, multiple submitters, no conflicts (2 of 4 stars). 4 submissions from 4 submitters: Pathogenic (3). 1 of the submissions does not count toward it. Last evaluated 2025-07-28.

Conditions:
Polycystic kidney disease, adult type (PKD1). Also called: POLYCYSTIC KIDNEY DISEASE, ADULT, TYPE I; Polycystic Kidney Disease 1, Autosomal Dominant; Polycystic kidney disease 1; Polycystic kidney disease 1, severe; Polycystic Kidney, Autosomal Dominant; POLYCYSTIC KIDNEY DISEASE 1 WITH OR WITHOUT POLYCYSTIC LIVER DISEASE. Identifiers: MedGen C3149841, MONDO:0008263, OMIM 173900.
Polycystic kidney disease. Also called: Kidney, Polycystic; Polycystic kidney dysplasia. Identifiers: MedGen C0022680, MeSH D007690, MONDO:0020642, HP:0000113.
PKD1-related disorder. Also called: PKD1-related condition.

Submissions (4):

GeneDx
Classification: Pathogenic. Last evaluated: 2025-07-28. Review status: criteria provided, single submitter. Criteria: GeneDx Variant Classification Process June 2021. Collection method: clinical testing. Allele origin: germline. Affected: yes.
Comment: Nonsense variant predicted to result in protein truncation or nonsense mediated decay in a gene for which loss of function is a known mechanism of disease; Not observed at significant frequency in large population cohorts (gnomAD); This variant is associated with the following publications: (PMID: 22508176)

Fulgent Genetics
Classification: Pathogenic for Polycystic kidney disease, adult type. Last evaluated: 2022-01-28. Review status: criteria provided, single submitter. Criteria: ACMG Guidelines, 2015. Collection method: clinical testing. Allele origin: unknown.

Blueprint Genetics
Classification: Pathogenic for PKD1-related disorders. Last evaluated: 2020-04-16. Review status: criteria provided, single submitter. Criteria: ACMG Guidelines, 2015. Collection method: clinical testing. Allele origin: germline. Affected: yes. Observed: 1 variant allele.

Department of Pathology and Laboratory Medicine, Sinai Health System
Classification: Pathogenic for Polycystic Kidney disease. Review status: no assertion criteria provided. Collection method: clinical testing. Allele origin: unknown. Affected: yes. Study: The Canadian Open Genetics Repository (COGR). Not counted in ClinVar's aggregate classification.
Comment: The PKD1 p.Tyr2379X variant was identified in 3 of 1400 proband chromosomes (frequency: 0.002) from individuals or families with family history of ADPKD (AudrâˆšÂ©zet 2012) and classified as a definitively pathogenic mutation. The variant was also identified in ADPKD Mutation Database (classified as definitely pathogenic). The variant was not identified in dbSNP, Clinvitae, ClinVar, GeneInsight COGR, MutDB, PKD1-LOVD, PKD1-LOVD 3.0, NHLBI GO Exome Sequencing Project and the Exome Aggregation Consortium database (August 8, 2016). The p.Tyr2379X variant leads to a premature stop codon at position 2379, which is predicted to lead to a truncated or absent protein and loss of function. Loss of function variants of the PKD1 gene are an established mechanism of disease in autosomal dominant polycystic kidney disease and is the type of variant expected to cause the disorder. In summary, based on the above information, this variant meets our laboratoryâ€šÃ„Ã´s criteria to be classified as pathogenic.

NM_001009944.3(PKD1):c.7137C>G (p.Tyr2379Ter)

Gene: PKD1 (polycystin 1, transient receptor potential channel interacting; minus strand). Cytogenetic location: 16p13.3.
Variant type: single nucleotide variant.
Coding change: c.7137C>G on transcript NM_001009944.3 (MANE Select); coding-DNA position 7137, C replaced by G.
Protein change: p.Tyr2379Ter; replaces tyrosine 2379 with a stop codon.
Molecular consequence: nonsense.
Genome position (GRCh38, 1-based): chr16:2,106,877, G>C on the plus strand (C>G on the coding strand, the complement: PKD1 is on the minus strand). VCF-style: chr16-2106877-G-C. GRCh37 (hg19) VCF-style: chr16-2156878-G-C.
Other names: c.7137C>G, p.Tyr2379Ter (NM_000296.4); short protein forms Y2379*.
Identifiers: ClinVar variation 433977 (VCV000433977.7), dbSNP rs752114168, ClinGen allele CA394371899.